The following is an entry in ClinVar:

NM_002332.3(LRP1):c.683G>A (p.Arg228Gln)

Genes: LRP1 (LDL receptor related protein 1; plus strand), LRP1-AS (LRP1 antisense RNA; minus strand). Cytogenetic location: 12q13.3.
Variant type: single nucleotide variant.
Coding change: c.683G>A on transcript NM_002332.3 (MANE Select); coding-DNA position 683, G replaced by A.
Protein change: p.Arg228Gln; replaces arginine 228 with glutamine.
Molecular consequence: missense variant.
Genome position (GRCh38, 1-based): chr12:57,145,332, G>A. VCF-style: chr12-57145332-G-A. GRCh37 (hg19) VCF-style: chr12-57539115-G-A.
Other names: short protein forms R228Q.
Identifiers: ClinVar variation 4099710 (VCV004099710.2).

ClinVar aggregate classification (germline): Uncertain significance. Review status: criteria provided, multiple submitters, no conflicts (2 of 4 stars). 2 submissions from 2 submitters: Uncertain significance (2). Last evaluated 2025-08-31.

gnomAD v4.1: 47 of 1,614,016 alleles (0.0029%); highest among the groups gnomAD compares: Non-Finnish European, 0.0033%; no homozygotes.

Submissions (2):

Ambry Genetics
Classification: Uncertain significance. Last evaluated: 2025-08-31. Review status: criteria provided, single submitter. Criteria: Ambry Variant Classification Scheme 2023. Collection method: clinical testing. Allele origin: germline.

GeneDx
Classification: Uncertain significance. Last evaluated: 2025-01-24. Review status: criteria provided, single submitter. Criteria: GeneDx Variant Classification Process June 2021. Collection method: clinical testing. Allele origin: germline.
Comment: In silico analysis indicates that this missense variant does not alter protein structure/function; Has not been previously published as pathogenic or benign to our knowledge; Variants in candidate genes are classified as variants of uncertain significance in accordance with ACMG guidelines (PMID: 25741868)